The following is an entry in ClinVar:

NM_020800.3(IFT80):c.1420A>G (p.Thr474Ala)

Genes: TRIM59-IFT80 (TRIM59-IFT80 readthrough (NMD candidate); minus strand), IFT80 (intraflagellar transport 80; minus strand). Cytogenetic location: 3q25.33.
Variant type: single nucleotide variant.
Coding change: c.1420A>G on transcript NM_020800.3 (MANE Select); coding-DNA position 1420, A replaced by G.
Protein change: p.Thr474Ala; replaces threonine 474 with alanine.
Molecular consequence: missense variant. On other transcripts: non-coding transcript variant (3).
Genome position (GRCh38, 1-based): chr3:160,282,574, T>C on the plus strand (A>G on the coding strand, the complement: IFT80 is on the minus strand). VCF-style: chr3-160282574-T-C. GRCh37 (hg19) VCF-style: chr3-160000362-T-C.
Other names: c.1009A>G, p.Thr337Ala (NM_001190241.2, NM_001190242.2); short protein forms T337A, T474A.
Identifiers: ClinVar variation 1440350 (VCV001440350.6), dbSNP rs750126857, ClinGen allele CA355192418.

ClinVar aggregate classification (germline): Uncertain significance. Review status: criteria provided, multiple submitters, no conflicts (2 of 4 stars). 2 submissions from 2 submitters: Uncertain significance (2). Last evaluated 2024-04-30.

Conditions:
Jeune thoracic dystrophy. Also called: Short-rib thoracic dysplasia; Jeune syndrome; Infantile thoracic dystrophy; Thoracic pelvic phalangeal dystrophy; Jeune's syndrome; Chondroectodermal dysplasia-like syndrome. Identifiers: Orphanet 474, MedGen C0265275, MONDO:0018770.
Asphyxiating thoracic dystrophy 2 (SRTD2). Also called: SHORT-RIB THORACIC DYSPLASIA 2 WITH POLYDACTYLY; SHORT-RIB THORACIC DYSPLASIA 2 WITHOUT POLYDACTYLY; SHORT-RIB THORACIC DYSPLASIA 2 WITH OR WITHOUT POLYDACTYLY. Identifiers: Orphanet 474, MedGen C1970005, MONDO:0012644, OMIM 611263.

Submissions (2):

Fulgent Genetics
Classification: Uncertain significance for Asphyxiating thoracic dystrophy 2. Last evaluated: 2024-04-30. Review status: criteria provided, single submitter. Criteria: ACMG Guidelines, 2015. Collection method: clinical testing. Allele origin: germline.

Labcorp Genetics (formerly Invitae), Labcorp
Classification: Uncertain significance for Jeune thoracic dystrophy. Last evaluated: 2021-08-02. Review status: criteria provided, single submitter. Criteria: Invitae Variant Classification Sherloc (09022015). Collection method: clinical testing. Allele origin: germline.
Comment: This sequence change replaces threonine with alanine at codon 474 of the IFT80 protein (p.Thr474Ala). The threonine residue is moderately conserved and there is a small physicochemical difference between threonine and alanine. In summary, the available evidence is currently insufficient to determine the role of this variant in disease. Therefore, it has been classified as a Variant of Uncertain Significance. Algorithms developed to predict the effect of missense changes on protein structure and function (SIFT, PolyPhen-2, Align-GVGD) all suggest that this variant is likely to be tolerated. This variant has not been reported in the literature in individuals affected with IFT80-related conditions. This variant is not present in population databases (ExAC no frequency).